The following is an entry in ClinVar:

ClinVar aggregate classification (germline): Uncertain significance. Review status: criteria provided, multiple submitters, no conflicts (2 of 4 stars). 2 submissions from 2 submitters: Uncertain significance (2). Last evaluated 2025-03-04.

Conditions:
TELO2-related disorder. Also called: TELO2-related condition.
Inborn genetic diseases. Identifiers: MedGen C0950123, MeSH D030342.

Allele frequency attached by ClinVar (database versions not stated): gnomAD 0.00001; TOPMed 0.00005; ExAC 0.00006; ESP Exome Variant Server 0.00015.
gnomAD v4.1: 26 of 1,613,870 alleles (0.0016%); highest among the groups gnomAD compares: South Asian, 0.0055%; no homozygotes.

Submissions (2):

PreventionGenetics, part of Exact Sciences
Classification: Uncertain significance for TELO2-related condition. Last evaluated: 2025-03-04. Review status: criteria provided, single submitter. Criteria: ACMG Guidelines, 2015. Collection method: clinical testing. Allele origin: germline.
Comment: The TELO2 c.673G>A variant is predicted to result in the amino acid substitution p.Gly225Arg. To our knowledge, this variant has not been reported in the literature. This variant is reported in 0.013% of alleles in individuals of South Asian descent in gnomAD. At this time, the clinical significance of this variant is uncertain due to the absence of conclusive functional and genetic evidence.

Ambry Genetics
Classification: Uncertain significance for Inborn genetic diseases. Last evaluated: 2024-01-29. Review status: criteria provided, single submitter. Criteria: Ambry Variant Classification Scheme 2023. Collection method: clinical testing. Allele origin: germline.

NM_016111.4(TELO2):c.673G>A (p.Gly225Arg)

Gene: TELO2 (telomere maintenance 2; plus strand). Cytogenetic location: 16p13.3.
Variant type: single nucleotide variant.
Coding change: c.673G>A on transcript NM_016111.4 (MANE Select); coding-DNA position 673, G replaced by A.
Protein change: p.Gly225Arg; replaces glycine 225 with arginine.
Molecular consequence: missense variant.
Genome position (GRCh38, 1-based): chr16:1,497,095, G>A. VCF-style: chr16-1497095-G-A. GRCh37 (hg19) VCF-style: chr16-1547096-G-A.
Other names: c.673G>A, p.Gly225Arg (NM_001351846.2); short protein forms G225R.
Identifiers: ClinVar variation 3175816 (VCV003175816.2), dbSNP rs371686195, ClinGen allele CA7811744.
Genomic context (GRCh38, chr16:1,497,095, plus strand): 5'-GGTGGCCTGGATTCCTCCGTGTCCTTCGTGTCTCAGGTCCTTGGGAAAGCCTGTGTCCAC[G>A]GGAGGCAGCGTGAGTAGAGCAGTGCCTTCCTGCCCATCCTGCCCCGACCCTCACAGCCCA-3'
Protein context (NP_057195.2, residues 215-235): SQVLGKACVH[Gly225Arg]RQQEILGVLV